The following is an entry in ClinVar:

NM_138576.4(BCL11B):c.244G>A (p.Gly82Ser)

Gene: BCL11B (BCL11 transcription factor B; minus strand). Cytogenetic location: 14q32.2.
Variant type: single nucleotide variant.
Coding change: c.244G>A on transcript NM_138576.4 (MANE Select); coding-DNA position 244, G replaced by A.
Protein change: p.Gly82Ser; replaces glycine 82 with serine.
Molecular consequence: missense variant.
Genome position (GRCh38, 1-based): chr14:99,257,654, C>T on the plus strand (G>A on the coding strand, the complement: BCL11B is on the minus strand). VCF-style: chr14-99257654-C-T. GRCh37 (hg19) VCF-style: chr14-99723991-C-T.
Other names: c.241G>A, p.Gly81Ser (NM_001282237.2, NM_001282238.2); c.244G>A, p.Gly82Ser (NM_022898.3); short protein forms G81S, G82S.
Identifiers: ClinVar variation 4995500 (VCV004995500.1).

ClinVar aggregate classification (germline): Uncertain significance (1 of 4 stars; one submission).

Conditions:
BCL11B-related disorder. Also called: BCL11B-Related Disorders.

Submission:

PreventionGenetics, part of Exact Sciences
Classification: Uncertain significance for BCL11B-related condition. Last evaluated: 2026-05-26. Review status: criteria provided, single submitter. Criteria: ACMG Guidelines, 2015. Collection method: clinical testing. Allele origin: germline.
Comment: The BCL11B c.244G>A variant is predicted to result in the amino acid substitution p.Gly82Ser. To our knowledge, this variant has not been reported in the literature or in a large population database (gnomAD), indicating this variant is rare. At this time, the clinical significance of this variant is uncertain due to the absence of conclusive functional and genetic evidence.